The following is an entry in ClinVar:

ClinVar aggregate classification (germline): Conflicting classifications of pathogenicity. Review status: criteria provided, conflicting classifications (1 of 4 stars). 2 submissions from 2 submitters: Uncertain significance (1); Likely benign (1). Last evaluated 2024-06-25.

Conditions:
POLD1-related polyposis and colorectal cancer syndrome (CRCS10). Also called: Colorectal cancer 10; COLORECTAL CANCER, SUSCEPTIBILITY TO, ON CHROMOSOME 19q; Colorectal cancer, susceptibility to, 10. Identifiers: Orphanet 220460, MedGen C2675481, MONDO:0012953, OMIM 612591.
Hereditary cancer-predisposing syndrome. Also called: Neoplastic Syndromes, Hereditary; Tumor predisposition; Hereditary Cancer Syndrome; Hereditary neoplastic syndrome. Identifiers: Orphanet 140162, MedGen C0027672, MeSH D009386, MONDO:0015356.

Submissions (2):

Ambry Genetics
Classification: Likely benign for Hereditary cancer-predisposing syndrome. Last evaluated: 2024-06-25. Review status: criteria provided, single submitter. Criteria: Ambry Variant Classification Scheme 2023. Collection method: clinical testing. Allele origin: germline.

Labcorp Genetics (formerly Invitae), Labcorp
Classification: Uncertain significance for POLD1-related polyposis and colorectal cancer syndrome. Last evaluated: 2024-04-29. Review status: criteria provided, single submitter. Criteria: Invitae Variant Classification Sherloc (09022015). Collection method: clinical testing. Allele origin: germline.
Comment: This sequence change replaces isoleucine, which is neutral and non-polar, with valine, which is neutral and non-polar, at codon 393 of the POLD1 protein (p.Ile393Val). This variant is not present in population databases (gnomAD no frequency). This variant has not been reported in the literature in individuals affected with POLD1-related conditions. Advanced modeling of protein sequence and biophysical properties (such as structural, functional, and spatial information, amino acid conservation, physicochemical variation, residue mobility, and thermodynamic stability) performed at Invitae indicates that this missense variant is not expected to disrupt POLD1 protein function with a negative predictive value of 80%. In summary, the available evidence is currently insufficient to determine the role of this variant in disease. Therefore, it has been classified as a Variant of Uncertain Significance.

NM_002691.4(POLD1):c.1177A>G (p.Ile393Val)

Gene: POLD1 (DNA polymerase delta 1, catalytic subunit; plus strand). Cytogenetic location: 19q13.33.
Variant type: single nucleotide variant.
Coding change: c.1177A>G on transcript NM_002691.4 (MANE Select); coding-DNA position 1177, A replaced by G.
Protein change: p.Ile393Val; replaces isoleucine 393 with valine.
Molecular consequence: missense variant. On other transcripts: non-coding transcript variant (1).
Genome position (GRCh38, 1-based): chr19:50,403,532, A>G. VCF-style: chr19-50403532-A-G. GRCh37 (hg19) VCF-style: chr19-50906789-A-G.
Other names: c.1177A>G, p.Ile393Val (NM_001256849.1, NM_001308632.1); c.1177A>G (NM_002691.2); short protein forms I393V.
Identifiers: ClinVar variation 2827085 (VCV002827085.4), dbSNP rs2513977037, ClinGen allele CA406978508.